The following is an entry in ClinVar:

ClinVar aggregate classification (germline): Likely benign. Review status: criteria provided, multiple submitters, no conflicts (2 of 4 stars). 2 submissions from 2 submitters: Likely benign (2). Last evaluated 2026-05-13.

Conditions:
AHI1-related disorder. Also called: AHI1-related condition.
Joubert syndrome. Also called: Familial aplasia of the vermis; JOUBERT-BOLTSHAUSER SYNDROME. Identifiers: Orphanet 475, MedGen C5979921, MONDO:0018772.

Allele frequency attached by ClinVar (database versions not stated): gnomAD exomes below 0.00001; ExAC 0.00001; gnomAD 0.00001; TOPMed 0.00002.
gnomAD v4.1: 3 of 1,592,434 alleles (0.00019%); highest among the groups gnomAD compares: Admixed American, 0.0034%; no homozygotes.

Submissions (2):

PreventionGenetics, part of Exact Sciences
Classification: Likely benign for AHI1-related condition. Last evaluated: 2026-05-13. Review status: criteria provided, single submitter. Criteria: ACMG Guidelines, 2015. Collection method: clinical testing. Allele origin: germline.
Comment: This variant is classified as likely benign based on ACMG/AMP sequence variant interpretation guidelines (Richards et al. 2015 PMID: 25741868, with internal and published modifications).

Labcorp Genetics (formerly Invitae), Labcorp
Classification: Likely benign for Joubert syndrome. Last evaluated: 2025-12-07. Review status: criteria provided, single submitter. Criteria: Invitae Variant Classification Sherloc (09022015). Collection method: clinical testing. Allele origin: germline.

NM_001134831.2(AHI1):c.136-9C>T

Gene: AHI1 (Abelson helper integration site 1; minus strand). Cytogenetic location: 6q23.3.
Variant type: single nucleotide variant.
Coding change: c.136-9C>T on transcript NM_001134831.2 (MANE Select); 9 bases into the intron before coding-DNA position 136, C replaced by T.
Molecular consequence: intron variant.
Genome position (GRCh38, 1-based): chr6:135,467,643, G>A on the plus strand (C>T on the coding strand, the complement: AHI1 is on the minus strand). VCF-style: chr6-135467643-G-A. GRCh37 (hg19) VCF-style: chr6-135788781-G-A.
Other names: c.136-9C>T (NM_001134830.2, NM_001350503.2, NM_017651.5 and 3 more transcripts).
Identifiers: ClinVar variation 1533070 (VCV001533070.9), dbSNP rs780414647, ClinGen allele CA4012913.
Genomic context (GRCh38, chr6:135,467,643, plus strand): 5'-CATCACTTGTAGTTTCTTTCATATAGTGAAGATTGCTTCTAATAGTGTCAGGCTAAAAAG[G>A]AAGACATAATAAAGTTTCAGCTAAGCGTAGATTAGTTGTATCAAGAAAAACCAATAATTA-3'